The following is an entry in ClinVar:

ClinVar aggregate classification (germline): Uncertain significance (1 of 4 stars; one submission).

Submission:

Dasa
Classification: Uncertain significance. Last evaluated: 2025-09-16. Review status: criteria provided, single submitter. Criteria: DASA Assertion Criteria. Collection method: clinical testing. Allele origin: germline.
Comment: NM_005585.5(SMAD6):c.660dup (p.Pro221Alafs*82) is a frameshift variant in SMAD6 predicted to alter the reading frame and introduce a premature termination codon. This variant is absent from population databases. The currently available literature and clinical evidence are not sufficient to establish a definitive association between this variant and the reported condition. Therefore, this variant is classified as a variant of uncertain significance.

NM_005585.5(SMAD6):c.660dup (p.Pro221fs)

Gene: SMAD6 (SMAD family member 6; plus strand). Cytogenetic location: 15q22.31.
Variant type: Duplication.
Coding change: c.660dup on transcript NM_005585.5 (MANE Select); coding-DNA position 660, one base duplicated (G; older notation c.660dupG).
Protein change: p.Pro221fs; shifts the reading frame from proline 221.
Molecular consequence: frameshift variant. On other transcripts: non-coding transcript variant (1).
Genome position (GRCh38, 1-based): chr15:66,703,918, G duplicated. VCF-style (leftmost placement, unchanged base first): chr15-66703917-C-CG. GRCh37 (hg19) VCF-style: chr15-66996255-C-CG.
Other names: short protein forms P221fs.
Identifiers: ClinVar variation 4886285 (VCV004886285.2).